The following is an entry in ClinVar:

NM_000128.4(F11):c.16C>T (p.Gln6Ter)

Gene: F11 (coagulation factor XI; plus strand). Cytogenetic location: 4q35.2.
Variant type: single nucleotide variant.
Coding change: c.16C>T on transcript NM_000128.4 (MANE Select); coding-DNA position 16, C replaced by T.
Protein change: p.Gln6Ter; replaces glutamine 6 with a stop codon.
Molecular consequence: nonsense.
Genome position (GRCh38, 1-based): chr4:186,267,152, C>T. VCF-style: chr4-186267152-C-T. GRCh37 (hg19) VCF-style: chr4-187188306-C-T.
Other names: c.16C>T, p.Gln6Ter (NM_001354804.2); short protein forms Q6*.
Identifiers: ClinVar variation 551125 (VCV000551125.9), dbSNP rs1554081288, ClinGen allele CA358957294.

ClinVar aggregate classification (germline): Pathogenic. Review status: criteria provided, multiple submitters, no conflicts (2 of 4 stars). 6 submissions from 6 submitters: Pathogenic (5). 1 of the submissions does not count toward it. Last evaluated 2026-01-21.

Conditions:
Plasma factor XI deficiency.
Hereditary factor XI deficiency disease. Also called: Congenital factor XI deficiency; PLASMA THROMBOPLASTIN ANTECEDENT DEFICIENCY; PTA DEFICIENCY; ROSENTHAL SYNDROME. Identifiers: Orphanet 329, MedGen C0015523, MeSH D005173, MONDO:0012897, OMIM 612416.

Allele frequency attached by ClinVar (database versions not stated): gnomAD exomes below 0.00001.
gnomAD v4.1: 1 of 1,576,784 alleles (0.000063%); highest among the groups gnomAD compares: Non-Finnish European, 0.000087%; no homozygotes.

Submissions (6):

GeneDx
Classification: Pathogenic. Last evaluated: 2026-01-21. Review status: criteria provided, single submitter. Criteria: GeneDx Variant Classification Process June 2021. Collection method: clinical testing. Allele origin: germline.
Comment: Nonsense variant predicted to result in protein truncation or nonsense mediated decay in a gene for which loss of function is a known mechanism of disease; Not observed at significant frequency in large population cohorts (gnomAD); This variant is associated with the following publications: (PMID: 24112640, 29178608)

Revvity Omics, Revvity
Classification: Pathogenic for Hereditary factor XI deficiency disease. Last evaluated: 2024-10-16. Review status: criteria provided, single submitter. Criteria: ACMG Guidelines, 2015. Collection method: clinical testing. Allele origin: germline.

Natera, Inc.
Classification: Pathogenic for Plasma factor XI deficiency. Last evaluated: 2024-05-30. Review status: criteria provided, single submitter. Criteria: Natera Variant Classification Schema (03/2026). Collection method: clinical testing. Allele origin: germline.
Comment: The c.16C>T variant in F11 is a nonsense variant predicted to introduce a stop codon at amino acid 6. This variant is expected to result in nonsense mediated decay, truncation, or a dysfunctional protein product. This variant is rare in the general population with a frequency below the threshold expected for the associated phenotype(s). This variant has been observed in one or more individuals affected with the associated recessive disease, as either homozygous or compound heterozygous with a second variant (PMID: 24112640, 29178608). Given the available evidence, this variant is classified as Pathogenic.

Labcorp Genetics (formerly Invitae), Labcorp
Classification: Pathogenic. Last evaluated: 2023-02-04. Review status: criteria provided, single submitter. Criteria: Invitae Variant Classification Sherloc (09022015). Collection method: clinical testing. Allele origin: germline.
Comment: This sequence change creates a premature translational stop signal (p.Gln6*) in the F11 gene. It is expected to result in an absent or disrupted protein product. Loss-of-function variants in F11 are known to be pathogenic (PMID: 23929304). This variant is not present in population databases (gnomAD no frequency). This premature translational stop signal has been observed in individual(s) with autosomal recessive factor XI deficiency (PMID: 24112640). ClinVar contains an entry for this variant (Variation ID: 551125). Algorithms developed to predict the effect of sequence changes on RNA splicing suggest that this variant may disrupt the consensus splice site. For these reasons, this variant has been classified as Pathogenic.

Kariminejad - Najmabadi Pathology & Genetics Center
Classification: Pathogenic for Hereditary factor XI deficiency disease. Review status: criteria provided, single submitter. Criteria: ACMG Guidelines, 2015. Collection method: clinical testing. Allele origin: germline. Affected: no.

Counsyl
Classification: Likely pathogenic for Hereditary factor XI deficiency disease. Last evaluated: 2017-05-02. Review status: no assertion criteria provided. Collection method: clinical testing. Allele origin: unknown. Not counted in ClinVar's aggregate classification.

Literature cited by the submitters: PubMed 24112640 (cited by 3 submitters); PubMed 29178608 (cited by Natera, Inc.); PubMed 23929304 (cited by Labcorp Genetics (formerly Invitae), Labcorp).